The following is an entry in ClinVar:

NM_018249.6(CDK5RAP2):c.5307+6C>T

Gene: CDK5RAP2 (CDK5 regulatory subunit associated protein 2; minus strand). Cytogenetic location: 9q33.2.
Variant type: single nucleotide variant.
Coding change: c.5307+6C>T on transcript NM_018249.6 (MANE Select); 6 bases into the intron after coding-DNA position 5307, C replaced by T.
Molecular consequence: intron variant.
Genome position (GRCh38, 1-based): chr9:120,402,800, G>A on the plus strand (C>T on the coding strand, the complement: CDK5RAP2 is on the minus strand). VCF-style: chr9-120402800-G-A. GRCh37 (hg19) VCF-style: chr9-123165078-G-A.
Other names: c.4617+6C>T (NM_001272039.2); c.5208+6C>T (NM_001410992.1); c.5304+6C>T (NM_001410994.1); c.5211+6C>T (NM_001410993.1); c.5070+6C>T (NM_001011649.3).
Identifiers: ClinVar variation 2710066 (VCV002710066.3), dbSNP rs1374451556, ClinGen allele CA2697558018.

ClinVar aggregate classification (germline): Uncertain significance (1 of 4 stars; one submission).

Submission:

Labcorp Genetics (formerly Invitae), Labcorp
Classification: Uncertain significance. Last evaluated: 2024-01-18. Review status: criteria provided, single submitter. Criteria: Invitae Variant Classification Sherloc (09022015). Collection method: clinical testing. Allele origin: germline.
Comment: This sequence change falls in intron 34 of the CDK5RAP2 gene. It does not directly change the encoded amino acid sequence of the CDK5RAP2 protein. It affects a nucleotide within the consensus splice site. This variant is not present in population databases (gnomAD no frequency). This variant has not been reported in the literature in individuals affected with CDK5RAP2-related conditions. Variants that disrupt the consensus splice site are a relatively common cause of aberrant splicing (PMID: 17576681, 9536098). Algorithms developed to predict the effect of sequence changes on RNA splicing suggest that this variant is not likely to affect RNA splicing. In summary, the available evidence is currently insufficient to determine the role of this variant in disease. Therefore, it has been classified as a Variant of Uncertain Significance.

Literature cited by the submitters: PubMed 17576681; PubMed 9536098.